The following is an entry in ClinVar:

ClinVar aggregate classification (germline): Benign (0 of 4 stars; one submission).

Conditions:
KCNJ12-related disorder. Also called: KCNJ12-related condition.

Allele frequency attached by ClinVar (database versions not stated): gnomAD 0.00005; gnomAD exomes 0.00005; ExAC 0.49933.
gnomAD v4.1: 80 of 1,613,586 alleles (0.005%); highest among the groups gnomAD compares: Middle Eastern, 0.05%; no homozygotes.

Submission:

PreventionGenetics, part of Exact Sciences
Classification: Benign for KCNJ12-related condition. Last evaluated: 2019-10-17. Review status: no assertion criteria provided. Collection method: clinical testing. Allele origin: germline.
Comment: This variant is classified as benign based on ACMG/AMP sequence variant interpretation guidelines (Richards et al. 2015 PMID: 25741868, with internal and published modifications).

NM_021012.5(KCNJ12):c.243G>C (p.Arg81=)

Gene: KCNJ12 (potassium inwardly rectifying channel subfamily J member 12; plus strand). Cytogenetic location: 17p11.2.
Variant type: single nucleotide variant.
Coding change: c.243G>C on transcript NM_021012.5 (MANE Select); coding-DNA position 243, G replaced by C.
Protein change: p.Arg81=; no amino-acid change (arginine 81 retained).
Molecular consequence: synonymous variant.
Genome position (GRCh38, 1-based): chr17:21,415,585, G>C. VCF-style: chr17-21415585-G-C. GRCh37 (hg19) VCF-style: chr17-21318897-G-C.
Identifiers: ClinVar variation 3059453 (VCV003059453.2), dbSNP rs1657739, ClinGen allele CA8451047.
Genomic context (GRCh38, chr17:21,415,585, plus strand): 5'-CGAGAAGTCACAGCGCTACCTGGCTGACATGTTCACCACCTGTGTGGACATCCGCTGGCG[G>C]TACATGCTGCTCATCTTCTCGCTGGCCTTCCTTGCCTCCTGGCTGCTGTTCGGCATCATC-3'
Protein context (NP_066292.2, residues 71-91): MFTTCVDIRW[Arg81=]YMLLIFSLAF